The following is an entry in ClinVar:

ClinVar aggregate classification (germline): Uncertain significance. Review status: criteria provided, multiple submitters, no conflicts (2 of 4 stars). 2 submissions from 2 submitters: Uncertain significance (2). Last evaluated 2025-09-23.

Conditions:
SCLT1-related disorder. Also called: SCLT1-related condition.

Allele frequency attached by ClinVar (database versions not stated): gnomAD 0.00001.
gnomAD v4.1: 1 of 1,609,998 alleles (0.000062%); highest among the groups gnomAD compares: Admixed American, 0.0017%; no homozygotes.

Submissions (2):

PreventionGenetics, part of Exact Sciences
Classification: Uncertain significance for SCLT1-related condition. Last evaluated: 2025-09-23. Review status: criteria provided, single submitter. Criteria: ACMG Guidelines, 2015. Collection method: clinical testing. Allele origin: germline.
Comment: The SCLT1 c.733T>G variant is predicted to result in the amino acid substitution p.Leu245Val. To our knowledge, this variant has not been reported in the literature or in a large population database (gnomAD), indicating this variant is rare. At this time, the clinical significance of this variant is uncertain due to the absence of conclusive functional and genetic evidence.

Labcorp Genetics (formerly Invitae), Labcorp
Classification: Uncertain significance. Last evaluated: 2022-11-08. Review status: criteria provided, single submitter. Criteria: Invitae Variant Classification Sherloc (09022015). Collection method: clinical testing. Allele origin: germline.
Comment: In summary, the available evidence is currently insufficient to determine the role of this variant in disease. Therefore, it has been classified as a Variant of Uncertain Significance. Algorithms developed to predict the effect of missense changes on protein structure and function are either unavailable or do not agree on the potential impact of this missense change (SIFT: "Tolerated"; PolyPhen-2: "Possibly Damaging"; Align-GVGD: "Class C0"). ClinVar contains an entry for this variant (Variation ID: 1469906). This variant has not been reported in the literature in individuals affected with SCLT1-related conditions. This variant is not present in population databases (gnomAD no frequency). This sequence change replaces leucine, which is neutral and non-polar, with valine, which is neutral and non-polar, at codon 245 of the SCLT1 protein (p.Leu245Val).

NM_144643.4(SCLT1):c.733T>G (p.Leu245Val)

Gene: SCLT1 (sodium channel and clathrin linker 1; minus strand). Cytogenetic location: 4q28.2.
Variant type: single nucleotide variant.
Coding change: c.733T>G on transcript NM_144643.4 (MANE Select); coding-DNA position 733, T replaced by G.
Protein change: p.Leu245Val; replaces leucine 245 with valine.
Molecular consequence: missense variant.
Genome position (GRCh38, 1-based): chr4:128,970,422, A>C on the plus strand (T>G on the coding strand, the complement: SCLT1 is on the minus strand). VCF-style: chr4-128970422-A-C. GRCh37 (hg19) VCF-style: chr4-129891577-A-C.
Other names: c.733T>G (NM_144643.3); short protein forms L245V.
Identifiers: ClinVar variation 1469906 (VCV001469906.7), dbSNP rs1740592414, ClinGen allele CA358189302.